The following is an entry in ClinVar:

ClinVar aggregate classification (germline): Conflicting classifications of pathogenicity. Review status: criteria provided, conflicting classifications (1 of 4 stars). 3 submissions from 3 submitters: Uncertain significance (1); Benign (1); Likely benign (1). Last evaluated 2025-07-29.

Conditions:
Inborn genetic diseases. Identifiers: MedGen C0950123, MeSH D030342.
RAI1-related disorder. Also called: RAI1-related condition.

Allele frequency attached by ClinVar (database versions not stated): gnomAD exomes below 0.00001.
gnomAD v4.1: 6 of 1,613,112 alleles (0.00037%); highest among the groups gnomAD compares: Admixed American, 0.0033%; no homozygotes.

Submissions (3):

Labcorp Genetics (formerly Invitae), Labcorp
Classification: Benign. Last evaluated: 2025-07-29. Review status: criteria provided, single submitter. Criteria: Invitae Variant Classification Sherloc (09022015). Collection method: clinical testing. Allele origin: germline.

PreventionGenetics, part of Exact Sciences
Classification: Uncertain significance for RAI1-related condition. Last evaluated: 2025-05-19. Review status: criteria provided, single submitter. Criteria: ACMG Guidelines, 2015. Collection method: clinical testing. Allele origin: germline.
Comment: The RAI1 c.1893C>A variant is predicted to result in the amino acid substitution p.Ser631Arg. To our knowledge, this variant has not been reported in the literature or in a large population database (gnomAD), indicating this variant is rare. At this time, the clinical significance of this variant is uncertain due to the absence of conclusive functional and genetic evidence.

Ambry Genetics
Classification: Likely benign for Inborn genetic diseases. Last evaluated: 2018-05-29. Review status: criteria provided, single submitter. Criteria: Ambry Variant Classification Scheme 2023. Collection method: clinical testing. Allele origin: germline.

NM_030665.4(RAI1):c.1893C>A (p.Ser631Arg)

Gene: RAI1 (retinoic acid induced 1; plus strand). Cytogenetic location: 17p11.2.
Variant type: single nucleotide variant.
Coding change: c.1893C>A on transcript NM_030665.4 (MANE Select); coding-DNA position 1893, C replaced by A.
Protein change: p.Ser631Arg; replaces serine 631 with arginine.
Molecular consequence: missense variant.
Genome position (GRCh38, 1-based): chr17:17,794,841, C>A. VCF-style: chr17-17794841-C-A. GRCh37 (hg19) VCF-style: chr17-17698155-C-A.
Other names: short protein forms S631R.
Identifiers: ClinVar variation 1448000 (VCV001448000.11), dbSNP rs374389275, ClinGen allele CA288367983.